The following is an entry in ClinVar:

NM_004523.4(KIF11):c.2656A>G (p.Ile886Val)

Gene: KIF11 (kinesin family member 11; plus strand). Cytogenetic location: 10q23.33.
Variant type: single nucleotide variant.
Coding change: c.2656A>G on transcript NM_004523.4 (MANE Select); coding-DNA position 2656, A replaced by G.
Protein change: p.Ile886Val; replaces isoleucine 886 with valine.
Molecular consequence: missense variant.
Genome position (GRCh38, 1-based): chr10:92,648,320, A>G. VCF-style: chr10-92648320-A-G. GRCh37 (hg19) VCF-style: chr10-94408077-A-G.
Other names: short protein forms I886V.
Identifiers: ClinVar variation 854043 (VCV000854043.13), dbSNP rs750912244, ClinGen allele CA5604436.

ClinVar aggregate classification (germline): Conflicting classifications of pathogenicity. Review status: criteria provided, conflicting classifications (1 of 4 stars). 3 submissions from 3 submitters: Uncertain significance (1); Likely benign (2). Last evaluated 2026-07-01.

Allele frequency attached by ClinVar (database versions not stated): gnomAD exomes 0.00001 and 0.00002; ExAC 0.00002; gnomAD 0.00003; TOPMed 0.00005.
gnomAD v4.1: 14 of 1,610,180 alleles (0.00087%); highest among the groups gnomAD compares: Middle Eastern, 0.016%; no homozygotes.

Submissions (3):

CeGaT Center for Human Genetics Tuebingen
Classification: Likely benign. Last evaluated: 2026-07-01. Review status: criteria provided, single submitter. Criteria: CeGaT Center For Human Genetics Tuebingen Variant Classification Criteria Version 2. Collection method: clinical testing. Allele origin: germline. Affected: yes. Observed: 1 variant allele.
Comment: KIF11: BP4

Women's Health and Genetics/Laboratory Corporation of America, LabCorp
Classification: Uncertain significance. Last evaluated: 2025-05-12. Review status: criteria provided, single submitter. Criteria: LabCorp Variant Classification Summary - May 2015. Collection method: clinical testing. Allele origin: germline.
Comment: Variant summary: KIF11 c.2656A>G (p.Ile886Val) results in a conservative amino acid change in the encoded protein sequence. Algorithms developed to predict the effect of missense changes on protein structure and function all suggest that this variant is likely to be tolerated. The variant allele was found at a frequency of 2e-05 in 251172 control chromosomes. The available data on variant occurrences in the general population are insufficient to allow any conclusion about variant significance. To our knowledge, no occurrence of c.2656A>G in individuals affected with Microcephaly With Or Without Chorioretinopathy, Lymphedema, Or Intellectual Disability and no experimental evidence demonstrating its impact on protein function have been reported. ClinVar contains an entry for this variant (Variation ID: 854043). Based on the evidence outlined above, the variant was classified as uncertain significance.

Labcorp Genetics (formerly Invitae), Labcorp
Classification: Likely benign. Last evaluated: 2025-04-28. Review status: criteria provided, single submitter. Criteria: Invitae Variant Classification Sherloc (09022015). Collection method: clinical testing. Allele origin: germline.